The following is an entry in ClinVar:

NM_001165963.4(SCN1A):c.4933C>T (p.Arg1645Ter)

Genes: SCN1A (sodium voltage-gated channel alpha subunit 1; minus strand), LOC102724058 (uncharacterized LOC102724058; plus strand). Cytogenetic location: 2q24.3.
Variant type: single nucleotide variant.
Coding change: c.4933C>T on transcript NM_001165963.4 (MANE Select); coding-DNA position 4933, C replaced by T.
Protein change: p.Arg1645Ter; replaces arginine 1645 with a stop codon.
Molecular consequence: nonsense. On other transcripts: non-coding transcript variant (1).
Genome position (GRCh38, 1-based): chr2:165,992,342, G>A on the plus strand (C>T on the coding strand, the complement: SCN1A is on the minus strand). VCF-style: chr2-165992342-G-A. GRCh37 (hg19) VCF-style: chr2-166848852-G-A.
Other names: c.4849C>T, p.Arg1617Ter (NM_001165964.3, NM_001353957.2, NM_001353958.2); c.4933C>T, p.Arg1645Ter (NM_001202435.3, NM_001353948.2); c.4900C>T, p.Arg1634Ter (NM_001353949.2, NM_001353950.2, NM_001353951.2 and 2 more transcripts); c.4897C>T, p.Arg1633Ter (NM_001353954.2, NM_001353955.2); c.4846C>T, p.Arg1616Ter (NM_001353960.2); c.2491C>T, p.Arg831Ter (NM_001353961.2); short protein forms R1634*, R1645*, R1617*, R1616*, R1633*, R831*.
Identifiers: ClinVar variation 189921 (VCV000189921.55), dbSNP rs794726759, ClinGen allele CA303310.

ClinVar aggregate classification (germline): Pathogenic. Review status: criteria provided, multiple submitters, no conflicts (2 of 4 stars). 8 submissions from 8 submitters: Pathogenic (7). 1 of the submissions does not count toward it. Last evaluated 2025-09-24.

Conditions:
Early-infantile DEE. Also called: Ohtahara syndrome; Early infantile epileptic encephalopathy with suppression bursts; Early infantile epileptic encephalopathy. Identifiers: Orphanet 1934, MedGen C0393706, MONDO:0800491.
SCN1A-related disorder. Also called: SCN1A-related disorders; SCN1A-related conditions; SCN1A-related condition.
Generalized epilepsy with febrile seizures plus, type 2 (GEFSP2). Also called: GEFS+, TYPE 2. Identifiers: Orphanet 36387, MedGen C1858673, MONDO:0011461, OMIM 604403.
Severe myoclonic epilepsy in infancy (DRVT). Also called: SEVERE MYOCLONIC EPILEPSY OF INFANCY; DEVELOPMENTAL AND EPILEPTIC ENCEPHALOPATHY 6A; Severe Myoclonic Epilepsy in Infancy (SMEI); Dravet syndrome; Epileptic encephalopathy, early infantile, 6 (Dravet syndrome). Identifiers: Orphanet 33069, MedGen C0751122, MONDO:0100135, OMIM 607208.

Submissions (8):

Genesolutions, Medical Genetics Institutes, Ho Chi Minh City, Vietnam
Classification: Pathogenic for Severe myoclonic epilepsy in infancy. Last evaluated: 2025-09-24. Review status: criteria provided, single submitter. Criteria: ACMG Guidelines, 2015. Collection method: clinical testing. Allele origin: germline. Affected: yes.

3billion
Classification: Pathogenic for SCN1A-related disorder. Last evaluated: 2025-09-16. Review status: criteria provided, single submitter. Criteria: ACMG Guidelines, 2015. Collection method: clinical testing. Allele origin: germline. Affected: yes.
Comment: The variant is not observed in the gnomAD v4.1.0 dataset. Predicted Consequence/Location: Stop-gained (nonsense): predicted to result in a loss or disruption of normal protein function through protein truncation. Multiple pathogenic variants are reported in the predicted truncated region. The variant has been reported at least twice as pathogenic with clinical assertions and evidence for the classification (ClinVar ID: VCV000189921 /PMID: 14738421). Therefore, this variant is classified as Pathogenic according to the recommendation of ACMG/AMP guideline.

Labcorp Genetics (formerly Invitae), Labcorp
Classification: Pathogenic for Early-infantile DEE. Last evaluated: 2025-05-18. Review status: criteria provided, single submitter. Criteria: Invitae Variant Classification Sherloc (09022015). Collection method: clinical testing. Allele origin: germline.
Comment: This sequence change creates a premature translational stop signal (p.Arg1645*) in the SCN1A gene. While this is not anticipated to result in nonsense mediated decay, it is expected to disrupt the last 365 amino acid(s) of the SCN1A protein. This variant is not present in population databases (gnomAD no frequency). This premature translational stop signal has been observed in individual(s) with Dravet syndrome and/or severe myoclonic epilepsy in infancy (PMID: 14738421, 19809937, 29141279). This variant is also known as R1635X. ClinVar contains an entry for this variant (Variation ID: 189921). This variant disrupts a region of the SCN1A protein in which other variant(s) (p.Arg1924Leufs*8) have been determined to be pathogenic (PMID: 27465585). This suggests that this is a clinically significant region of the protein, and that variants that disrupt it are likely to be disease-causing. For these reasons, this variant has been classified as Pathogenic.

GeneDx
Classification: Pathogenic. Last evaluated: 2023-01-12. Review status: criteria provided, single submitter. Criteria: GeneDx Variant Classification Process June 2021. Collection method: clinical testing. Allele origin: germline. Affected: yes.
Comment: Nonsense variant predicted to result in protein truncation, as the last 391 amino acids are lost, and other loss-of-function variants have been reported downstream in HGMD; Not observed at significant frequency in large population cohorts (gnomAD); This variant is associated with the following publications: (PMID: 29453127, 29141279, 19809937, 32090326, 29573403, 32092540, 14738421, 31302675, 26096185)

Genome-Nilou Lab
Classification: Pathogenic for Generalized epilepsy with febrile seizures plus, type 2. Last evaluated: 2021-07-22. Review status: criteria provided, single submitter. Criteria: ACMG Guidelines, 2015. Collection method: clinical testing. Allele origin: germline. Affected: yes.

CeGaT Center for Human Genetics Tuebingen
Classification: Pathogenic. Last evaluated: 2017-04-01. Review status: criteria provided, single submitter. Criteria: CeGaT Center For Human Genetics Tuebingen Variant Classification Criteria Version 2. Collection method: clinical testing. Allele origin: germline. Affected: yes. Observed: 1 variant allele.

Center for Bioinformatics, Peking University
Classification: Pathogenic for Dravet syndrome. Last evaluated: 2014-12-20. Review status: criteria provided, single submitter. Criteria: Xu et al. (Hum Mutat. 2015). Collection method: research. Allele origin: paternal. Affected: yes. Observed: 2 variant alleles. Study: University Clinical Cooperation “985 Project” PKU-2014-1-1.
Comment: Dravet syndrome (DS) probands were recruited from the outpatient and inpatient child neurology units of Peking University First Hospital from 2005 till present. The study was approved by the Ethics Committee of Peking University First Hospital and the Institutional Review Board at Peking University. Participants or their parents provided written informed consent before enrollment. We collected a total of 267 mutations from 255 families with probands diagnosed with DS in China. All probands fulfilled the clinical diagnostic criteria.

Laboratory of Medical Genetics, National & Kapodistrian University of Athens
Classification: Pathogenic for Severe myoclonic epilepsy in infancy. Last evaluated: 2020-02-19. Review status: no assertion criteria provided. Collection method: clinical testing. Allele origin: germline. Affected: yes. Not counted in ClinVar's aggregate classification.

Literature cited by the submitters: PubMed 14738421 (cited by 3billion and Labcorp Genetics (formerly Invitae), Labcorp); PubMed 19809937 (cited by Labcorp Genetics (formerly Invitae), Labcorp and Laboratory of Medical Genetics, National & Kapodistrian University of Athens); PubMed 29141279 (cited by Labcorp Genetics (formerly Invitae), Labcorp); PubMed 27465585 (cited by Labcorp Genetics (formerly Invitae), Labcorp).